The following is an entry in ClinVar:

ClinVar aggregate classification (germline): Pathogenic (1 of 4 stars; one submission).

gnomAD v4.1: 1 of 1,614,168 alleles (0.000062%); highest among the groups gnomAD compares: South Asian, 0.0011%; no homozygotes.

Submission:

Labcorp Genetics (formerly Invitae), Labcorp
Classification: Pathogenic. Last evaluated: 2023-05-24. Review status: criteria provided, single submitter. Criteria: Invitae Variant Classification Sherloc (09022015). Collection method: clinical testing. Allele origin: germline.
Comment: For these reasons, this variant has been classified as Pathogenic. Algorithms developed to predict the effect of sequence changes on RNA splicing suggest that this variant may disrupt the consensus splice site. This variant has not been reported in the literature in individuals affected with DFNB59-related conditions. This variant is not present in population databases (gnomAD no frequency). This sequence change creates a premature translational stop signal (p.Tyr31*) in the DFNB59 gene. It is expected to result in an absent or disrupted protein product. Loss-of-function variants in DFNB59 are known to be pathogenic (PMID: 17301963, 17718875).

Literature cited by the submitters: PubMed 17301963; PubMed 17718875.

NM_001042702.5(PJVK):c.93T>G (p.Tyr31Ter)

Gene: PJVK (pejvakin; plus strand). Cytogenetic location: 2q31.2.
Variant type: single nucleotide variant.
Coding change: c.93T>G on transcript NM_001042702.5 (MANE Select); coding-DNA position 93, T replaced by G.
Protein change: p.Tyr31Ter; replaces tyrosine 31 with a stop codon.
Molecular consequence: nonsense. On other transcripts: 5 prime UTR variant (1), intron variant (1).
Genome position (GRCh38, 1-based): chr2:178,453,502, T>G. VCF-style: chr2-178453502-T-G. GRCh37 (hg19) VCF-style: chr2-179318229-T-G.
Other names: c.102T>G, p.Tyr34Ter (NM_001353775.2); c.198T>G, p.Tyr66Ter (NM_001353776.2); c.-385T>G (NM_001353778.2); c.93T>G, p.Tyr31Ter (NM_001369912.1); c.-334-51T>G (NM_001353777.1); short protein forms Y66*, Y31*, Y34*.
Identifiers: ClinVar variation 2718001 (VCV002718001.3), dbSNP rs756585755, ClinGen allele CA349397290.